The following is an entry in ClinVar:

ClinVar aggregate classification (germline): Likely benign. Review status: criteria provided, multiple submitters, no conflicts (2 of 4 stars). 5 submissions from 5 submitters: Likely benign (5). Last evaluated 2025-08-09.

Conditions:
Hereditary cancer-predisposing syndrome. Also called: Hereditary Cancer Syndrome; Hereditary neoplastic syndrome; Neoplastic Syndromes, Hereditary; Tumor predisposition. Identifiers: Orphanet 140162, MedGen C0027672, MeSH D009386, MONDO:0015356.
Hereditary breast ovarian cancer syndrome. Also called: Hereditary breast and ovarian cancer syndrome; Hereditary breast and ovarian cancer; Breast and ovarian cancer; BRCA1- and BRCA2-Associated Hereditary Breast and Ovarian Cancer; Hereditary breast and/or ovarian cancer syndrome; Hereditary breast and ovarian cancer syndrome (HBOC). Identifiers: Orphanet 145, MedGen C0677776, MeSH D061325, MONDO:0003582. Disease mechanism: loss of function.

Allele frequency attached by ClinVar (database versions not stated): TOPMed 0.00002.

Submissions (5):

Labcorp Genetics (formerly Invitae), Labcorp
Classification: Likely benign for Hereditary breast ovarian cancer syndrome. Last evaluated: 2025-08-09. Review status: criteria provided, single submitter. Criteria: Invitae Variant Classification Sherloc (09022015). Collection method: clinical testing. Allele origin: germline.

Women's Health and Genetics/Laboratory Corporation of America, LabCorp
Classification: Likely benign. Last evaluated: 2024-12-06. Review status: criteria provided, single submitter. Criteria: LabCorp Variant Classification Summary - May 2015. Collection method: clinical testing. Allele origin: germline.

Color Diagnostics, LLC DBA Color Health
Classification: Likely benign for Hereditary cancer-predisposing syndrome. Last evaluated: 2019-11-12. Review status: criteria provided, single submitter. Criteria: ACMG Guidelines, 2015. Collection method: clinical testing. Allele origin: germline.

GeneDx
Classification: Likely benign. Last evaluated: 2018-03-15. Review status: criteria provided, single submitter. Criteria: GeneDx Variant Classification (06012015). Collection method: clinical testing. Allele origin: germline. Affected: yes.
Comment: This variant is considered likely benign or benign based on one or more of the following criteria: it is a conservative change, it occurs at a poorly conserved position in the protein, it is predicted to be benign by multiple in silico algorithms, and/or has population frequency not consistent with disease.

Ambry Genetics
Classification: Likely benign for Hereditary cancer-predisposing syndrome. Last evaluated: 2016-10-13. Review status: criteria provided, single submitter. Criteria: Ambry Variant Classification Scheme 2023. Collection method: clinical testing. Allele origin: germline.

NM_007294.4(BRCA1):c.2763G>A (p.Gln921=)

Gene: BRCA1 (BRCA1 DNA repair associated; minus strand). Cytogenetic location: 17q21.31.
Variant type: single nucleotide variant.
Coding change: c.2763G>A on transcript NM_007294.4 (MANE Select); coding-DNA position 2763, G replaced by A.
Protein change: p.Gln921=; no amino-acid change (glutamine 921 retained).
Molecular consequence: synonymous variant. On other transcripts: intron variant (137).
Genome position (GRCh38, 1-based): chr17:43,092,768, C>T on the plus strand (G>A on the coding strand, the complement: BRCA1 is on the minus strand). VCF-style: chr17-43092768-C-T. GRCh37 (hg19) VCF-style: chr17-41244785-C-T.
Other names: c.2550G>A, p.Gln850= (NM_001407571.1, NM_001407894.1, NM_001407895.1 and 9 more transcripts); c.2763G>A, p.Gln921= (NM_001407581.1, NM_001407582.1, NM_001407583.1 and 30 more transcripts); c.2760G>A, p.Gln920= (NM_001407587.1, NM_001407590.1, NM_001407591.1 and 22 more transcripts); c.2640G>A, p.Gln880= (NM_001407667.1, NM_001407668.1, NM_001407669.1 and 19 more transcripts); c.2637G>A, p.Gln879= (NM_001407670.1, NM_001407671.1, NM_001407672.1 and 11 more transcripts); c.2754G>A, p.Gln918= (NM_001407646.1, NM_001407647.1); c.2622G>A, p.Gln874= (NM_001407692.1, NM_001407694.1, NM_001407695.1 and 29 more transcripts); c.2685G>A, p.Gln895= (NM_001407653.1, NM_001407654.1, NM_001407655.1 and 4 more transcripts); and 41 more.
Identifiers: ClinVar variation 386487 (VCV000386487.29), dbSNP rs1057522511, ClinGen allele CA16607621.